The following is an entry in ClinVar:

ClinVar aggregate classification (germline): Pathogenic (1 of 4 stars; one submission).

Conditions:
Baller-Gerold syndrome (BGS). Also called: CRANIOSYNOSTOSIS WITH RADIAL DEFECTS. Identifiers: Orphanet 1225, MedGen C0265308, MONDO:0009039, OMIM 218600.

Submission:

Labcorp Genetics (formerly Invitae), Labcorp
Classification: Pathogenic for Baller-Gerold syndrome. Last evaluated: 2021-03-17. Review status: criteria provided, single submitter. Criteria: Invitae Variant Classification Sherloc (09022015). Collection method: clinical testing. Allele origin: germline.
Comment: This variant has not been reported in the literature in individuals with RECQL4-related conditions. For these reasons, this variant has been classified as Pathogenic. This variant is not present in population databases (ExAC no frequency). This sequence change creates a premature translational stop signal (p.Glu1112*) in the RECQL4 gene. It is expected to result in an absent or disrupted protein product. Loss-of-function variants in RECQL4 are known to be pathogenic (PMID: 12734318, 12952869).

Literature cited by the submitters: PubMed 12734318; PubMed 12952869.

NM_004260.4(RECQL4):c.3334G>T (p.Glu1112Ter)

Gene: RECQL4 (RecQ like helicase 4; minus strand). Cytogenetic location: 8q24.3.
Variant type: single nucleotide variant.
Coding change: c.3334G>T on transcript NM_004260.4 (MANE Select); coding-DNA position 3334, G replaced by T.
Protein change: p.Glu1112Ter; replaces glutamic acid 1112 with a stop codon.
Molecular consequence: nonsense.
Genome position (GRCh38, 1-based): chr8:144,511,970, C>A on the plus strand (G>T on the coding strand, the complement: RECQL4 is on the minus strand). VCF-style: chr8-144511970-C-A. GRCh37 (hg19) VCF-style: chr8-145737353-C-A.
Other names: short protein forms E1112*.
Identifiers: ClinVar variation 1443658 (VCV001443658.6), dbSNP rs753620447, ClinGen allele CA187679063.